The following is an entry in ClinVar:

ClinVar aggregate classification (germline): Uncertain significance (1 of 4 stars; one submission).

Submission:

Labcorp Genetics (formerly Invitae), Labcorp
Classification: Uncertain significance. Last evaluated: 2025-04-02. Review status: criteria provided, single submitter. Criteria: Invitae Variant Classification Sherloc (09022015). Collection method: clinical testing. Allele origin: germline.
Comment: This sequence change replaces alanine, which is neutral and non-polar, with valine, which is neutral and non-polar, at codon 337 of the PTH1R protein (p.Ala337Val). This variant is not present in population databases (gnomAD no frequency). This variant has not been reported in the literature in individuals affected with PTH1R-related conditions. Invitae Evidence Modeling of protein sequence and biophysical properties (such as structural, functional, and spatial information, amino acid conservation, physicochemical variation, residue mobility, and thermodynamic stability) indicates that this missense variant is not expected to disrupt PTH1R protein function with a negative predictive value of 80%. In summary, the available evidence is currently insufficient to determine the role of this variant in disease. Therefore, it has been classified as a Variant of Uncertain Significance.

NM_000316.3(PTH1R):c.1010C>T (p.Ala337Val)

Gene: PTH1R (parathyroid hormone 1 receptor; plus strand). Cytogenetic location: 3p21.31.
Variant type: single nucleotide variant.
Coding change: c.1010C>T on transcript NM_000316.3 (MANE Select); coding-DNA position 1010, C replaced by T.
Protein change: p.Ala337Val; replaces alanine 337 with valine.
Molecular consequence: missense variant.
Genome position (GRCh38, 1-based): chr3:46,901,046, C>T. VCF-style: chr3-46901046-C-T. GRCh37 (hg19) VCF-style: chr3-46942536-C-T.
Other names: c.1010C>T, p.Ala337Val (NM_001184744.1); short protein forms A337V.
Identifiers: ClinVar variation 4727511 (VCV004727511.1).